The following is an entry in ClinVar:

NC_000016.9:g.(?_88880847)_(88884552_?)del

Gene: GALNS (galactosamine (N-acetyl)-6-sulfatase; minus strand). Cytogenetic location: 16q24.3.
Variant type: Deletion.
Identifiers: ClinVar variation 3243318 (VCV003243318.1).

ClinVar aggregate classification (germline): Pathogenic (1 of 4 stars; one submission).

Conditions:
Mucopolysaccharidosis, MPS-IV-A (MPS4A). Also called: Morquio syndrome A, mild; MORQUIO SYNDROME A; GALACTOSAMINE-6-SULFATASE DEFICIENCY; GALNS DEFICIENCY; MORQUIO A DISEASE; Mucopolysaccharidosis type IV A. Identifiers: Orphanet 309297, Orphanet 582, MedGen C0086651, MONDO:0009659, OMIM 253000.

Submission:

Labcorp Genetics (formerly Invitae), Labcorp
Classification: Pathogenic for Mucopolysaccharidosis, MPS-IV-A. Last evaluated: 2023-09-08. Review status: criteria provided, single submitter. Criteria: Invitae Variant Classification Sherloc (09022015). Collection method: clinical testing. Allele origin: unknown.
Comment: This variant is a gross deletion of the genomic region encompassing exon(s) 13-14 of the GALNS gene, which includes the termination codon. This deletion extends beyond the assayed region for this gene and therefore may encompass additional genes. While this deletion is not anticipated to lead to nonsense mediated decay, it is expected to alter mRNA translation or result in a truncated protein product. This variant has not been reported in the literature in individuals affected with GALNS-related conditions. This variant disrupts a region of the GALNS protein in which other variant(s) (p.Asn495Lys) have been determined to be pathogenic (PMID: 23876334). This suggests that this is a clinically significant region of the protein, and that variants that disrupt it are likely to be disease-causing. For these reasons, this variant has been classified as Pathogenic.

Literature cited by the submitters: PubMed 23876334.